The following is an entry in ClinVar:

ClinVar aggregate classification (germline): Uncertain significance (1 of 4 stars; one submission).

Submission:

Labcorp Genetics (formerly Invitae), Labcorp
Classification: Uncertain significance. Last evaluated: 2023-08-10. Review status: criteria provided, single submitter. Criteria: Invitae Variant Classification Sherloc (09022015). Collection method: clinical testing. Allele origin: germline.
Comment: In summary, the available evidence is currently insufficient to determine the role of this variant in disease. Therefore, it has been classified as a Variant of Uncertain Significance. Experimental studies and prediction algorithms are not available or were not evaluated, and the functional significance of this variant is currently unknown. ClinVar contains an entry for this variant (Variation ID: 1375961). This variant has not been reported in the literature in individuals affected with NLRP1-related conditions. This variant is not present in population databases (gnomAD no frequency). This variant, c.3231_3233del, results in the deletion of 1 amino acid(s) of the NLRP1 protein (p.Asp1078del), but otherwise preserves the integrity of the reading frame.

NM_033004.4(NLRP1):c.3231_3233del (p.Asp1078del)

Gene: NLRP1 (NLR family pyrin domain containing 1; minus strand). Cytogenetic location: 17p13.2.
Variant type: Deletion.
Coding change: c.3231_3233del on transcript NM_033004.4 (MANE Select); coding-DNA positions 3231 to 3233, 3 bases deleted (TGA; older notation c.3231_3233delTGA).
Protein change: p.Asp1078del; deletes aspartic acid 1078.
Molecular consequence: inframe deletion.
Genome position (GRCh38, 1-based): chr17:5,532,885-5,532,887, TCA deleted on the plus strand (TGA on the coding strand, the reverse complement: NLRP1 is on the minus strand); deleting any 3 consecutive bases within chr17:5,532,885-5,532,889 gives the same sequence; the c. name uses the placement nearest the transcript's 3' end. VCF-style (leftmost placement, unchanged base first): chr17-5532884-GTCA-G. GRCh37 (hg19) VCF-style: chr17-5436204-GTCA-G.
Other names: c.3243_3245del, p.Asp1082del (NM_001033053.3); c.3231_3233del, p.Asp1078del (NM_014922.5); c.3141_3143del, p.Asp1048del (NM_033006.4, NM_033007.4); short protein forms D1048del, D1078del, D1082del.
Identifiers: ClinVar variation 1375961 (VCV001375961.6), dbSNP rs2151758996, ClinGen allele CA2573153021.